The following is an entry in ClinVar:

NM_080680.3(COL11A2):c.4594G>A (p.Gly1532Arg)

Gene: COL11A2 (collagen type XI alpha 2 chain; minus strand). Cytogenetic location: 6p21.32.
Variant type: single nucleotide variant.
Coding change: c.4594G>A on transcript NM_080680.3 (MANE Select); coding-DNA position 4594, G replaced by A.
Protein change: p.Gly1532Arg; replaces glycine 1532 with arginine.
Molecular consequence: missense variant.
Genome position (GRCh38, 1-based): chr6:33,165,705, C>T on the plus strand (G>A on the coding strand, the complement: COL11A2 is on the minus strand). VCF-style: chr6-33165705-C-T. GRCh37 (hg19) VCF-style: chr6-33133482-C-T.
Other names: c.4273G>A, p.Gly1425Arg (NM_080679.3); c.4336G>A, p.Gly1446Arg (NM_080681.3); short protein forms G1532R, G1425R, G1446R.
Identifiers: ClinVar variation 1525169 (VCV001525169.8), dbSNP rs2150517329, ClinGen allele CA363618831.

ClinVar aggregate classification (germline): Uncertain significance (1 of 4 stars; one submission).

Submission:

Labcorp Genetics (formerly Invitae), Labcorp
Classification: Uncertain significance. Last evaluated: 2022-03-10. Review status: criteria provided, single submitter. Criteria: Invitae Variant Classification Sherloc (09022015). Collection method: clinical testing. Allele origin: germline.
Comment: In summary, the available evidence is currently insufficient to determine the role of this variant in disease. Therefore, it has been classified as a Variant of Uncertain Significance. Advanced modeling of protein sequence and biophysical properties (such as structural, functional, and spatial information, amino acid conservation, physicochemical variation, residue mobility, and thermodynamic stability) performed at Invitae indicates that this missense variant is not expected to disrupt COL11A2 protein function. This variant has not been reported in the literature in individuals affected with COL11A2-related conditions. This variant is not present in population databases (gnomAD no frequency). This sequence change replaces glycine, which is neutral and non-polar, with arginine, which is basic and polar, at codon 1532 of the COL11A2 protein (p.Gly1532Arg).